The following is an entry in ClinVar:

NM_000187.4(HGD):c.1095_1100dup (p.Thr367_Met368insSerThr)

Gene: HGD (homogentisate 1,2-dioxygenase; minus strand). Cytogenetic location: 3q13.33.
Variant type: Duplication.
Coding change: c.1095_1100dup on transcript NM_000187.4 (MANE Select); coding-DNA positions 1095 to 1100, 6 bases duplicated (CAGCAC; older notation c.1095_1100dupCAGCAC).
Protein change: p.Thr367_Met368insSerThr.
Molecular consequence: inframe insertion.
Genome position (GRCh38, 1-based): chr3:120,633,235-120,633,240, GTGCTG duplicated on the plus strand (CAGCAC on the coding strand, the reverse complement: HGD is on the minus strand). VCF-style (leftmost placement, unchanged base first): chr3-120633234-T-TGTGCTG. GRCh37 (hg19) VCF-style: chr3-120352081-T-TGTGCTG.
Identifiers: ClinVar variation 2584698 (VCV002584698.2), dbSNP rs2472652110, ClinGen allele CA2582342873.

ClinVar aggregate classification (germline): Pathogenic (0 of 4 stars; one submission).

Conditions:
Alkaptonuria (AKU). Also called: Alkaptonuric ochronosis; Homogentisic acidura; HOMOGENTISIC ACID OXIDASE DEFICIENCY; Alcaptonuria. Identifiers: Orphanet 56, MedGen C0002066, MONDO:0008753, OMIM 203500.

Submission:

Department Of Human Genetics, Institute Of Clinical And Translational Research, Biomedical Research Center, Slovak Academy Of Sciences
Classification: Pathogenic for Alkaptonuria. Review status: no assertion criteria provided. Collection method: research. Allele origin: germline. Inheritance: Autosomal recessive inheritance. Affected: yes. Observed: 1 variant allele.
Comment: The variant was originally described in Case Reports: Zhongguo Dang Dai Er Ke Za Zhi. 2012 Oct;14(10):796-7. It has been submitted to the HGD gene mutation database (DB-ID: AKU_00257).